The following is an entry in ClinVar:

ClinVar aggregate classification (germline): Pathogenic (1 of 4 stars; one submission).

Conditions:
Hereditary cancer-predisposing syndrome. Also called: Tumor predisposition; Neoplastic Syndromes, Hereditary; Hereditary Cancer Syndrome; Hereditary neoplastic syndrome. Identifiers: Orphanet 140162, MedGen C0027672, MeSH D009386, MONDO:0015356.

Submission:

Ambry Genetics
Classification: Pathogenic for Hereditary cancer-predisposing syndrome. Last evaluated: 2017-02-20. Review status: criteria provided, single submitter. Criteria: Ambry Variant Classification Scheme 2023. Collection method: clinical testing. Allele origin: germline.
Comment: The EX11dup gross duplication spans coding exon 11 in the PALB2 gene. Additional analysis to determine breakpoints identified that this duplication is in tandem and is predicted to result in premature protein truncation causing a translational frameshift with a predicted alternate stop codon (Ambry internal data). As such, this alteration is interpreted as a disease-causing mutation.

NM_024675.4(PALB2):c.3113+1434_3201+1211dup

Gene: PALB2 (partner and localizer of BRCA2; minus strand). Cytogenetic location: 16p12.2.
Variant type: Duplication.
Coding change: c.3113+1434_3201+1211dup on transcript NM_024675.4 (MANE Select); 1434 bases into the intron after coding-DNA position 3113 through 1211 bases into the intron after coding-DNA position 3201, 7,136 bases duplicated.
Molecular consequence: splice acceptor variant, splice donor variant. On other transcripts: intron variant (3).
Genome position (GRCh38, 1-based): chr16:23,612,793-23,619,928, 7,136 bases duplicated. GRCh37 (hg19), VCF-style position (the base before the change): chr16:23,625,463.
Other names: c.647+1434_735+1211dup (NM_001407314.1); c.2228+1434_2228+8569dup (NM_001407308.1, NM_001407309.1); c.2228+1434_2316+1211dup (NM_001407306.1, NM_001407311.1, NM_001407305.1 and 2 more transcripts); c.1325+1434_1413+1211dup (NM_001407313.1, NM_001407312.1); c.3053+1434_3141+1211dup (NM_001407296.1); c.3041+1434_3129+1211dup (NM_001407297.1); c.2951+1434_3039+1211dup (NM_001407302.1, NM_001407298.1); c.2834+4081_2922+1211dup (NM_001407300.1); and 3 more.
Identifiers: ClinVar variation 1727770 (VCV001727770.2).